The following is an entry in ClinVar:

ClinVar aggregate classification (germline): Likely benign. Review status: criteria provided, multiple submitters, no conflicts (2 of 4 stars). 2 submissions from 2 submitters: Likely benign (2). Last evaluated 2025-05-29.

Conditions:
Tuberous sclerosis 2 (TSC2). Identifiers: Orphanet 805, MedGen C1860707, MONDO:0013199, OMIM 613254.

Submissions (2):

Myriad Genetics, Inc.
Classification: Likely benign for Tuberous sclerosis 2. Last evaluated: 2025-05-29. Review status: criteria provided, single submitter. Criteria: Myriad Autosomal Dominant, Autosomal Recessive and X-Linked Classification Criteria (2023). Collection method: clinical testing. Allele origin: unknown.
Comment: This variant is considered likely benign. This variant is intronic and is not expected to impact mRNA splicing.

Labcorp Genetics (formerly Invitae), Labcorp
Classification: Likely benign for Tuberous sclerosis 2. Last evaluated: 2024-07-31. Review status: criteria provided, single submitter. Criteria: Invitae Variant Classification Sherloc (09022015). Collection method: clinical testing. Allele origin: germline.

NM_000548.5(TSC2):c.3611-12C>T

Gene: TSC2 (TSC complex subunit 2; plus strand). Cytogenetic location: 16p13.3.
Variant type: single nucleotide variant.
Coding change: c.3611-12C>T on transcript NM_000548.5 (MANE Select); 12 bases into the intron before coding-DNA position 3611, C replaced by T.
Molecular consequence: intron variant.
Genome position (GRCh38, 1-based): chr16:2,081,583, C>T. VCF-style: chr16-2081583-C-T. GRCh37 (hg19) VCF-style: chr16-2131584-C-T.
Other names: c.2138-12C>T (NM_001406693.1, NM_001406690.1, NM_001406692.1 and 1 more transcripts); c.3572-12C>T (NM_001406667.1); c.3569-12C>T (NM_001406668.1); c.3011-12C>T (NM_001406680.1, NM_001406683.1, NM_001406682.1); c.2879-12C>T (NM_001406687.1, NM_001318831.2, NM_001406688.1); c.2267-12C>T (NM_001406689.1); c.2135-12C>T (NM_001406691.1, NM_001406697.1, NM_001406695.1 and 1 more transcripts); c.1877-12C>T (NM_001406698.1); and 18 more.
Identifiers: ClinVar variation 3661078 (VCV003661078.3).